The following is an entry in ClinVar:

ClinVar aggregate classification (germline): Uncertain significance (1 of 4 stars; one submission).

Conditions:
Fanconi anemia (FA). Also called: Fanconi's anemia. Identifiers: Orphanet 84, MedGen C0015625, MeSH D005199, MONDO:0019391.

Allele frequency attached by ClinVar (database versions not stated): TOPMed 0.00001.
gnomAD v4.1: 48 of 1,613,470 alleles (0.003%); highest among the groups gnomAD compares: Non-Finnish European, 0.0039%; no homozygotes.

Submission:

Labcorp Genetics (formerly Invitae), Labcorp
Classification: Uncertain significance for Fanconi anemia. Last evaluated: 2025-04-07. Review status: criteria provided, single submitter. Criteria: Invitae Variant Classification Sherloc (09022015). Collection method: clinical testing. Allele origin: germline.
Comment: This sequence change replaces serine, which is neutral and polar, with asparagine, which is neutral and polar, at codon 1917 of the FANCM protein (p.Ser1917Asn). This variant is not present in population databases (gnomAD no frequency). This variant has not been reported in the literature in individuals affected with FANCM-related conditions. ClinVar contains an entry for this variant (Variation ID: 2769238). An algorithm developed to predict the effect of missense changes on protein structure and function outputs the following: PolyPhen-2: "Benign". The asparagine amino acid residue is found in multiple mammalian species, which suggests that this missense change does not adversely affect protein function. In summary, the available evidence is currently insufficient to determine the role of this variant in disease. Therefore, it has been classified as a Variant of Uncertain Significance.

NM_020937.4(FANCM):c.5750G>A (p.Ser1917Asn)

Gene: FANCM (FA complementation group M; plus strand). Cytogenetic location: 14q21.2.
Variant type: single nucleotide variant.
Coding change: c.5750G>A on transcript NM_020937.4 (MANE Select); coding-DNA position 5750, G replaced by A.
Protein change: p.Ser1917Asn; replaces serine 1917 with asparagine.
Molecular consequence: missense variant.
Genome position (GRCh38, 1-based): chr14:45,198,677, G>A. VCF-style: chr14-45198677-G-A. GRCh37 (hg19) VCF-style: chr14-45667880-G-A.
Other names: c.5672G>A, p.Ser1891Asn (NM_001308133.2); short protein forms S1917N, S1891N.
Identifiers: ClinVar variation 2769238 (VCV002769238.3), dbSNP rs747532888, ClinGen allele CA259603084.